The following is an entry in ClinVar:

NM_003235.5(TG):c.3930C>A (p.Tyr1310Ter)

Gene: TG (thyroglobulin; plus strand). Cytogenetic location: 8q24.22.
Variant type: single nucleotide variant.
Coding change: c.3930C>A on transcript NM_003235.5 (MANE Select); coding-DNA position 3930, C replaced by A.
Protein change: p.Tyr1310Ter; replaces tyrosine 1310 with a stop codon.
Molecular consequence: nonsense.
Genome position (GRCh38, 1-based): chr8:132,908,268, C>A. VCF-style: chr8-132908268-C-A. GRCh37 (hg19) VCF-style: chr8-133920513-C-A.
Other names: short protein forms Y1310*.
Identifiers: ClinVar variation 2845959 (VCV002845959.3), dbSNP rs143023529, ClinGen allele CA372243992.

ClinVar aggregate classification (germline): Pathogenic (1 of 4 stars; one submission).

gnomAD v4.1: 1 of 1,613,902 alleles (0.000062%); highest among the groups gnomAD compares: Non-Finnish European, 0.000085%; no homozygotes.

Submission:

Labcorp Genetics (formerly Invitae), Labcorp
Classification: Pathogenic. Last evaluated: 2023-07-03. Review status: criteria provided, single submitter. Criteria: Invitae Variant Classification Sherloc (09022015). Collection method: clinical testing. Allele origin: germline.
Comment: For these reasons, this variant has been classified as Pathogenic. Algorithms developed to predict the effect of sequence changes on RNA splicing suggest that this variant may disrupt the consensus splice site. This variant has not been reported in the literature in individuals affected with TG-related conditions. This variant is not present in population databases (gnomAD no frequency). This sequence change creates a premature translational stop signal (p.Tyr1310*) in the TG gene. It is expected to result in an absent or disrupted protein product. Loss-of-function variants in TG are known to be pathogenic (PMID: 19837936, 23164529).

Literature cited by the submitters: PubMed 19837936; PubMed 23164529.